The following is an entry in ClinVar:

NM_138927.4(SON):c.5915G>A (p.Arg1972His)

Gene: SON (SON DNA and RNA binding protein; plus strand). Cytogenetic location: 21q22.11.
Variant type: single nucleotide variant.
Coding change: c.5915G>A on transcript NM_138927.4 (MANE Select); coding-DNA position 5915, G replaced by A.
Protein change: p.Arg1972His; replaces arginine 1972 with histidine.
Molecular consequence: missense variant. On other transcripts: non-coding transcript variant (1), intron variant (1).
Genome position (GRCh38, 1-based): chr21:33,555,146, G>A. VCF-style: chr21-33555146-G-A. GRCh37 (hg19) VCF-style: chr21-34927452-G-A.
Other names: c.5915G>A, p.Arg1972His (NM_001291411.2, NM_032195.3); c.245-2010G>A (NM_001291412.3); short protein forms R1972H.
Identifiers: ClinVar variation 639887 (VCV000639887.8), dbSNP rs1327746101, ClinGen allele CA410165796.

ClinVar aggregate classification (germline): Uncertain significance (1 of 4 stars; one submission).

Allele frequency attached by ClinVar (database versions not stated): gnomAD 0.00001.

Submission:

Labcorp Genetics (formerly Invitae), Labcorp
Classification: Uncertain significance. Last evaluated: 2018-10-20. Review status: criteria provided, single submitter. Criteria: Invitae Variant Classification Sherloc (09022015). Collection method: clinical testing. Allele origin: germline.
Comment: In summary, the available evidence is currently insufficient to determine the role of this variant in disease. Therefore, it has been classified as a Variant of Uncertain Significance. This variant has not been reported in the literature in individuals with SON-related disease. The frequency data for this variant in the population databases is considered unreliable, as metrics indicate insufficient coverage at this position in the ExAC database. This sequence change replaces arginine with histidine at codon 1972 of the SON protein (p.Arg1972His). The arginine residue is moderately conserved and there is a small physicochemical difference between arginine and histidine.